The following is an entry in ClinVar:

NM_003242.6(TGFBR2):c.1482T>C (p.Asp494=)

Gene: TGFBR2 (transforming growth factor beta receptor 2; plus strand). Cytogenetic location: 3p24.1.
Variant type: single nucleotide variant.
Coding change: c.1482T>C on transcript NM_003242.6 (MANE Select); coding-DNA position 1482, T replaced by C.
Protein change: p.Asp494=; no amino-acid change (aspartic acid 494 retained).
Molecular consequence: synonymous variant.
Genome position (GRCh38, 1-based): chr3:30,688,469, T>C. VCF-style: chr3-30688469-T-C. GRCh37 (hg19) VCF-style: chr3-30729961-T-C.
Other names: c.1557T>C, p.Asp519= (NM_001024847.3); c.1665T>C, p.Asp555= (NM_001407126.1); c.1590T>C, p.Asp530= (NM_001407127.1); c.1509T>C, p.Asp503= (NM_001407128.1); c.1485T>C, p.Asp495= (NM_001407129.1); c.1479T>C, p.Asp493= (NM_001407130.1); c.1377T>C, p.Asp459= (NM_001407132.1, NM_001407133.1, NM_001407134.1 and 2 more transcripts); c.1197T>C, p.Asp399= (NM_001407137.1); and 2 more.
Identifiers: ClinVar variation 921511 (VCV000921511.10), dbSNP rs757583727, ClinGen allele CA046708.

ClinVar aggregate classification (germline): Likely benign. Review status: criteria provided, multiple submitters, no conflicts (2 of 4 stars). 4 submissions from 4 submitters: Likely benign (4). Last evaluated 2024-07-29.

Conditions:
Loeys-Dietz syndrome 2 (LDS2). Also called: TGFBR2-Related Loeys-Dietz Syndrome; AORTIC ANEURYSM, FAMILIAL THORACIC 3; MARFAN SYNDROME, TYPE II; Marfan Syndrome type 2; Marfan like connective tissue disorder; MFS 2. Identifiers: Orphanet 284973, Orphanet 558, MedGen C2674574, MONDO:0012427, OMIM 610168.
Familial thoracic aortic aneurysm and aortic dissection (TAAD). Also called: Thoracic aortic aneurysms and dissections. Identifiers: Orphanet 91387, MedGen C4707243, MONDO:0019625.

Allele frequency attached by ClinVar (database versions not stated): gnomAD exomes below 0.00001 and 0.00002; TOPMed below 0.00001; ExAC 0.00001; gnomAD 0.00001.
gnomAD v4.1: 16 of 1,614,090 alleles (0.00099%); highest among the groups gnomAD compares: Non-Finnish European, 0.0014%; no homozygotes.

Submissions (4):

All of Us Research Program, National Institutes of Health
Classification: Likely benign for Loeys-Dietz syndrome 2. Last evaluated: 2024-07-29. Review status: criteria provided, single submitter. Criteria: ACMG Guidelines, 2015. Collection method: clinical testing. Allele origin: germline. Inheritance: Autosomal dominant inheritance. Observed: 3 variant alleles, 3 heterozygotes.
Comment: This study involves interpretation of variants in research participants for the purpose of population health screening. Participant phenotype was not available at the time of variant classification. Additional details can be found in publication PMID: 35346344, PMCID: PMC8962531

Labcorp Genetics (formerly Invitae), Labcorp
Classification: Likely benign for Familial thoracic aortic aneurysm and aortic dissection. Last evaluated: 2023-02-10. Review status: criteria provided, single submitter. Criteria: Invitae Variant Classification Sherloc (09022015). Collection method: clinical testing. Allele origin: germline.

Ambry Genetics
Classification: Likely benign for Familial thoracic aortic aneurysm and aortic dissection. Last evaluated: 2022-12-23. Review status: criteria provided, single submitter. Criteria: Ambry Variant Classification Scheme 2023. Collection method: clinical testing. Allele origin: germline.

Color Diagnostics, LLC DBA Color Health
Classification: Likely benign for Familial thoracic aortic aneurysm and aortic dissection. Last evaluated: 2019-08-14. Review status: criteria provided, single submitter. Criteria: ACMG Guidelines, 2015. Collection method: clinical testing. Allele origin: germline.